The following is an entry in ClinVar:

NM_001378454.1(ALMS1):c.205G>A (p.Asp69Asn)

Gene: ALMS1 (ALMS1 centrosome and basal body associated protein; plus strand). Cytogenetic location: 2p13.1.
Variant type: single nucleotide variant.
Coding change: c.205G>A on transcript NM_001378454.1 (MANE Select); coding-DNA position 205, G replaced by A.
Protein change: p.Asp69Asn; replaces aspartic acid 69 with asparagine.
Molecular consequence: missense variant.
Genome position (GRCh38, 1-based): chr2:73,386,073, G>A. VCF-style: chr2-73386073-G-A. GRCh37 (hg19) VCF-style: chr2-73613201-G-A.
Other names: c.208G>A, p.Asp70Asn (NM_015120.4); short protein forms D69N, D70N.
Identifiers: ClinVar variation 3349304 (VCV003349304.1).

ClinVar aggregate classification (germline): Uncertain significance (0 of 4 stars; one submission).

Conditions:
ALMS1-related disorder. Also called: ALMS1-related condition.

gnomAD v4.1: 1 of 1,596,072 alleles (0.000063%); highest among the groups gnomAD compares: East Asian, 0.0023%; no homozygotes.

Submission:

PreventionGenetics, part of Exact Sciences
Classification: Uncertain significance for ALMS1-related condition. Last evaluated: 2024-01-05. Review status: no assertion criteria provided. Collection method: clinical testing. Allele origin: germline.
Comment: The ALMS1 c.208G>A variant is predicted to result in the amino acid substitution p.Asp70Asn. To our knowledge, this variant has not been reported in the literature or in a large population database, indicating this variant is rare. At this time, the clinical significance of this variant is uncertain due to the absence of conclusive functional and genetic evidence.